The following is an entry in ClinVar:

ClinVar aggregate classification (germline): Uncertain significance. Review status: criteria provided, multiple submitters, no conflicts (2 of 4 stars). 2 submissions from 2 submitters: Uncertain significance (2). Last evaluated 2023-08-03.

Conditions:
RAD50-related disorder. Also called: RAD50-related condition.
Hereditary cancer-predisposing syndrome. Also called: Hereditary neoplastic syndrome; Tumor predisposition; Hereditary Cancer Syndrome; Neoplastic Syndromes, Hereditary. Identifiers: Orphanet 140162, MedGen C0027672, MeSH D009386, MONDO:0015356.

Submissions (2):

PreventionGenetics, part of Exact Sciences
Classification: Uncertain significance for RAD50-related condition. Last evaluated: 2023-08-03. Review status: criteria provided, single submitter. Criteria: ACMG Guidelines, 2015. Collection method: clinical testing. Allele origin: germline.
Comment: The RAD50 c.3036+2dupT variant is predicted to result in an intronic duplication. This variant may alter splicing based on in silico prediction (Jaganathan et al. 2019. PubMed ID:30661751). To our knowledge, this variant has not been reported in the literature or in a large population database, indicating it is rare. At this time, the clinical significance of this variant is uncertain due to the absence of conclusive functional and genetic evidence.

Labcorp Genetics (formerly Invitae), Labcorp
Classification: Uncertain significance for Hereditary cancer-predisposing syndrome. Last evaluated: 2022-08-18. Review status: criteria provided, single submitter. Criteria: Invitae Variant Classification Sherloc (09022015). Collection method: clinical testing. Allele origin: germline.
Comment: This sequence change falls in intron 19 of the RAD50 gene. It does not directly change the encoded amino acid sequence of the RAD50 protein. It affects a nucleotide within the consensus splice site. This variant is not present in population databases (gnomAD no frequency). This variant has not been reported in the literature in individuals affected with RAD50-related conditions. Variants that disrupt the consensus splice site are a relatively common cause of aberrant splicing (PMID: 17576681, 9536098). Studies have shown that this variant is associated with altered splicing resulting in unknown protein product impact (Invitae). In summary, the available evidence is currently insufficient to determine the role of this variant in disease. Therefore, it has been classified as a Variant of Uncertain Significance.

Literature cited by the submitters: PubMed 17576681 (cited by Labcorp Genetics (formerly Invitae), Labcorp); PubMed 9536098 (cited by Labcorp Genetics (formerly Invitae), Labcorp).

NM_005732.4(RAD50):c.3036+2dup

Gene: RAD50 (RAD50 double strand break repair protein; plus strand). Cytogenetic location: 5q31.1.
Variant type: Duplication.
Coding change: c.3036+2dup on transcript NM_005732.4 (MANE Select); the canonical splice donor site of the intron after coding-DNA position 3036, one base duplicated (T; older notation c.3036+2dupT).
Molecular consequence: splice donor variant.
Genome position (GRCh38, 1-based): chr5:132,609,398, T duplicated. VCF-style (leftmost placement, unchanged base first): chr5-132609397-G-GT. GRCh37 (hg19) VCF-style: chr5-131945089-G-GT.
Other names: c.3036+2dupT (NM_005732.3).
Identifiers: ClinVar variation 1951392 (VCV001951392.6), dbSNP rs2479371875, ClinGen allele CA2580072750.